The following is an entry in ClinVar:

NM_001673.5(ASNS):c.1012A>T (p.Thr338Ser)

Genes: ASNS (asparagine synthetase (glutamine-hydrolyzing); minus strand), CZ1P-ASNS (CZ1P-ASNS readthrough; minus strand). Cytogenetic location: 7q21.3.
Variant type: single nucleotide variant.
Coding change: c.1012A>T on transcript NM_001673.5 (MANE Select); coding-DNA position 1012, A replaced by T.
Protein change: p.Thr338Ser; replaces threonine 338 with serine.
Molecular consequence: missense variant. On other transcripts: non-coding transcript variant (1).
Genome position (GRCh38, 1-based): chr7:97,856,708, T>A on the plus strand (A>T on the coding strand, the complement: ASNS is on the minus strand). VCF-style: chr7-97856708-T-A. GRCh37 (hg19) VCF-style: chr7-97486020-T-A.
Other names: c.949A>T, p.Thr317Ser (NM_001178075.2); c.763A>T, p.Thr255Ser (NM_001178076.2, NM_001178077.1); c.1012A>T, p.Thr338Ser (NM_001352496.2, NM_133436.3, NM_183356.4); short protein forms T255S, T317S, T338S.
Identifiers: ClinVar variation 4533293 (VCV004533293.1).

ClinVar aggregate classification (germline): Uncertain significance (1 of 4 stars; one submission).

Conditions:
Congenital microcephaly - severe encephalopathy - progressive cerebral atrophy syndrome. Also called: Asparagine synthetase deficiency; ASNS DEFICIENCY. Identifiers: Orphanet 391376, MedGen C3809971, MONDO:0014258, OMIM 615574.

Submission:

Diagnostics Services (NGS), CSIR - Centre For Cellular And Molecular Biology
Classification: Uncertain significance for Congenital microcephaly - severe encephalopathy - progressive cerebral atrophy syndrome. Last evaluated: 2025-10-30. Review status: criteria provided, single submitter. Criteria: ACMG Guidelines, 2015. Collection method: clinical testing. Allele origin: germline. Affected: yes. Observed: 1 variant allele, 1 heterozygote.
Comment: The c.1012A>T variant is not present in 1000 Genomes, EVS, gnomAD, Indian Exome Database and our internal database. This variant has neither been published in literature in individuals affected with ASNS-related conditions nor reported to the HGMD, ClinVar or OMIM databases, in any affected individuals. In-silico pathogenicity prediction programs like Polyphen-2, MutationTaster2021, CADD, etc predicted this variant to be likely deleterious however these predictions were not confirmed by published functional studies. This variant has been observed with another heterozygous variant (c.1138G>T, ClinVar Accession: VCV000635973.2) in the ASNS gene.